The following is an entry in ClinVar:

NM_000078.3(CETP):c.1249-6T>A

Gene: CETP (cholesteryl ester transfer protein; plus strand). Cytogenetic location: 16q13.
Variant type: single nucleotide variant.
Coding change: c.1249-6T>A on transcript NM_000078.3 (MANE Select); 6 bases into the intron before coding-DNA position 1249, T replaced by A.
Molecular consequence: intron variant.
Genome position (GRCh38, 1-based): chr16:56,982,159, T>A. VCF-style: chr16-56982159-T-A. GRCh37 (hg19) VCF-style: chr16-57016071-T-A.
Other names: c.1069-6T>A (NM_001286085.2).
Identifiers: ClinVar variation 3663372 (VCV003663372.2).

ClinVar aggregate classification (germline): Uncertain significance (1 of 4 stars; one submission).

Submission:

Labcorp Genetics (formerly Invitae), Labcorp
Classification: Uncertain significance. Last evaluated: 2024-08-24. Review status: criteria provided, single submitter. Criteria: Invitae Variant Classification Sherloc (09022015). Collection method: clinical testing. Allele origin: germline.
Comment: This sequence change falls in intron 13 of the CETP gene. It does not directly change the encoded amino acid sequence of the CETP protein. This variant is not present in population databases (gnomAD no frequency). This variant has not been reported in the literature in individuals affected with CETP-related conditions. Algorithms developed to predict the effect of sequence changes on RNA splicing suggest that this variant may disrupt the consensus splice site. In summary, the available evidence is currently insufficient to determine the role of this variant in disease. Therefore, it has been classified as a Variant of Uncertain Significance.